The following is an entry in ClinVar:

NM_001372.4(DNAH9):c.10303G>A (p.Val3435Met)

Genes: DNAH9 (dynein axonemal heavy chain 9; plus strand), LOC101928350 (uncharacterized LOC101928350; minus strand). Cytogenetic location: 17p12.
Variant type: single nucleotide variant.
Coding change: c.10303G>A on transcript NM_001372.4 (MANE Select); coding-DNA position 10303, G replaced by A.
Protein change: p.Val3435Met; replaces valine 3435 with methionine.
Molecular consequence: missense variant.
Genome position (GRCh38, 1-based): chr17:11,875,009, G>A. VCF-style: chr17-11875009-G-A. GRCh37 (hg19) VCF-style: chr17-11778326-G-A.
Other names: short protein forms V3435M.
Identifiers: ClinVar variation 1905786 (VCV001905786.2), dbSNP rs765611046, ClinGen allele CA8397475.

ClinVar aggregate classification (germline): Uncertain significance (1 of 4 stars; one submission).

gnomAD v4.1: 20 of 1,613,968 alleles (0.0012%); highest among the groups gnomAD compares: Admixed American, 0.0017%; no homozygotes.

Submission:

Labcorp Genetics (formerly Invitae), Labcorp
Classification: Uncertain significance. Last evaluated: 2022-08-21. Review status: criteria provided, single submitter. Criteria: Invitae Variant Classification Sherloc (09022015). Collection method: clinical testing. Allele origin: germline.
Comment: This sequence change replaces valine, which is neutral and non-polar, with methionine, which is neutral and non-polar, at codon 3435 of the DNAH9 protein (p.Val3435Met). This variant is present in population databases (rs765611046, gnomAD 0.006%). This variant has not been reported in the literature in individuals affected with DNAH9-related conditions. Algorithms developed to predict the effect of missense changes on protein structure and function are either unavailable or do not agree on the potential impact of this missense change (SIFT: "Deleterious"; PolyPhen-2: "Benign"; Align-GVGD: "Class C0"). In summary, the available evidence is currently insufficient to determine the role of this variant in disease. Therefore, it has been classified as a Variant of Uncertain Significance.